The following is an entry in ClinVar:

NM_000051.4(ATM):c.6640G>A (p.Asp2214Asn)

Genes: ATM (ATM serine/threonine kinase; plus strand), C11orf65 (chromosome 11 open reading frame 65; minus strand). Cytogenetic location: 11q22.3.
Variant type: single nucleotide variant.
Coding change: c.6640G>A on transcript NM_000051.4 (MANE Select); coding-DNA position 6640, G replaced by A.
Protein change: p.Asp2214Asn; replaces aspartic acid 2214 with asparagine.
Molecular consequence: missense variant. On other transcripts: intron variant (2).
Genome position (GRCh38, 1-based): chr11:108,325,377, G>A. VCF-style: chr11-108325377-G-A. GRCh37 (hg19) VCF-style: chr11-108196104-G-A.
Other names: c.6640G>A, p.Asp2214Asn (NM_001351834.2); c.641-16306C>T (NM_001330368.2); c.*38+9843C>T (NM_001351110.2); short protein forms D2214N.
Identifiers: ClinVar variation 3369164 (VCV003369164.1).

ClinVar aggregate classification (germline): Uncertain significance (1 of 4 stars; one submission).

gnomAD v4.1: 1 of 1,613,094 alleles (0.000062%); no homozygotes.

Submission:

GeneDx
Classification: Uncertain significance. Last evaluated: 2024-02-11. Review status: criteria provided, single submitter. Criteria: GeneDx Variant Classification Process June 2021. Collection method: clinical testing. Allele origin: germline. Affected: yes.
Comment: Not observed at significant frequency in large population cohorts (gnomAD); In silico analysis supports that this missense variant does not alter protein structure/function; Has not been previously published as pathogenic or benign to our knowledge; This variant is associated with the following publications: (PMID: 23532176)